The following is an entry in ClinVar:

ClinVar aggregate classification (germline): Uncertain significance (1 of 4 stars; one submission).

Conditions:
Troyer syndrome (SPG20). Identifiers: Orphanet 101000, MedGen C0393559, MONDO:0010156, OMIM 275900.

Submission:

Juno Genomics, Hangzhou Juno Genomics, Inc
Classification: Uncertain significance for Troyer syndrome. Review status: criteria provided, single submitter. Criteria: ACMG Guidelines, 2015. Collection method: clinical testing. Allele origin: germline.
Comment: Absent from controls (or at extremely low frequency if recessive) in Genome Aggregation Database.;Multiple lines of computational evidence support a deleterious effect on the gene or gene product.

NM_015087.5(SPART):c.680G>A (p.Gly227Glu)

Gene: SPART (spartin; minus strand). Cytogenetic location: 13q13.3.
Variant type: single nucleotide variant.
Coding change: c.680G>A on transcript NM_015087.5 (MANE Select); coding-DNA position 680, G replaced by A.
Protein change: p.Gly227Glu; replaces glycine 227 with glutamic acid.
Molecular consequence: missense variant.
Genome position (GRCh38, 1-based): chr13:36,335,151, C>T on the plus strand (G>A on the coding strand, the complement: SPART is on the minus strand). VCF-style: chr13-36335151-C-T. GRCh37 (hg19) VCF-style: chr13-36909288-C-T.
Other names: c.680G>A, p.Gly227Glu (NM_001142294.2, NM_001142295.2, NM_001142296.2); short protein forms G227E.
Identifiers: ClinVar variation 5018803 (VCV005018803.2).